The following is an entry in ClinVar:

ClinVar aggregate classification (germline): Uncertain significance (1 of 4 stars; one submission).

Allele frequency attached by ClinVar (database versions not stated): ExAC 0.00001; gnomAD 0.00001.
gnomAD v4.1: 1 of 1,614,074 alleles (0.000062%); highest among the groups gnomAD compares: African/African-American, 0.0013%; no homozygotes.

Submission:

Labcorp Genetics (formerly Invitae), Labcorp
Classification: Uncertain significance. Last evaluated: 2022-11-23. Review status: criteria provided, single submitter. Criteria: Invitae Variant Classification Sherloc (09022015). Collection method: clinical testing. Allele origin: germline.
Comment: This sequence change replaces proline, which is neutral and non-polar, with arginine, which is basic and polar, at codon 678 of the CFB protein (p.Pro678Arg). This variant is present in population databases (rs752288067, gnomAD 0.007%). This variant has not been reported in the literature in individuals affected with CFB-related conditions. Advanced modeling of protein sequence and biophysical properties (such as structural, functional, and spatial information, amino acid conservation, physicochemical variation, residue mobility, and thermodynamic stability) performed at Invitae indicates that this missense variant is not expected to disrupt CFB protein function. In summary, the available evidence is currently insufficient to determine the role of this variant in disease. Therefore, it has been classified as a Variant of Uncertain Significance.

NM_001710.6(CFB):c.2033C>G (p.Pro678Arg)

Gene: CFB (complement factor B; plus strand). Cytogenetic location: 6p21.33.
Variant type: single nucleotide variant.
Coding change: c.2033C>G on transcript NM_001710.6 (MANE Select); coding-DNA position 2033, C replaced by G.
Protein change: p.Pro678Arg; replaces proline 678 with arginine.
Molecular consequence: missense variant.
Genome position (GRCh38, 1-based): chr6:31,951,417, C>G. VCF-style: chr6-31951417-C-G. GRCh37 (hg19) VCF-style: chr6-31919194-C-G.
Other names: short protein forms P678R.
Identifiers: ClinVar variation 2815907 (VCV002815907.3), dbSNP rs752288067, ClinGen allele CA3728531.